The following is an entry in ClinVar:

ClinVar aggregate classification (germline): Uncertain significance (1 of 4 stars; one submission).

Conditions:
Inborn genetic diseases. Identifiers: MedGen C0950123, MeSH D030342.

gnomAD v4.1: 2 of 1,614,016 alleles (0.00012%); highest among the groups gnomAD compares: African/African-American, 0.0013%; no homozygotes.

Submission:

Ambry Genetics
Classification: Uncertain significance for Inborn genetic diseases. Last evaluated: 2024-03-14. Review status: criteria provided, single submitter. Criteria: Ambry Variant Classification Scheme 2023. Collection method: clinical testing. Allele origin: germline.
Comment: The p.V249F variant (also known as c.745G>T), located in coding exon 9 of the ERCC2 gene, results from a G to T substitution at nucleotide position 745. The valine at codon 249 is replaced by phenylalanine, an amino acid with highly similar properties. This amino acid position is conserved. In addition, this alteration is predicted to be deleterious by in silico analysis. Based on the available evidence, the clinical significance of this alteration remains unclear.

NM_000400.4(ERCC2):c.745G>T (p.Val249Phe)

Gene: ERCC2 (ERCC excision repair 2, TFIIH core complex helicase subunit; minus strand). Cytogenetic location: 19q13.32.
Variant type: single nucleotide variant.
Coding change: c.745G>T on transcript NM_000400.4 (MANE Select); coding-DNA position 745, G replaced by T.
Protein change: p.Val249Phe; replaces valine 249 with phenylalanine.
Molecular consequence: missense variant.
Genome position (GRCh38, 1-based): chr19:45,364,305, C>A on the plus strand (G>T on the coding strand, the complement: ERCC2 is on the minus strand). VCF-style: chr19-45364305-C-A. GRCh37 (hg19) VCF-style: chr19-45867563-C-A.
Other names: c.673G>T, p.Val225Phe (NM_001130867.2); short protein forms V225F, V249F.
Identifiers: ClinVar variation 3231712 (VCV003231712.1), dbSNP rs751503197, ClinGen allele CA406374189.